The following is an entry in ClinVar:

NM_032119.4(ADGRV1):c.6755T>A (p.Val2252Glu)

Gene: ADGRV1 (adhesion G protein-coupled receptor V1; plus strand). Cytogenetic location: 5q14.3.
Variant type: single nucleotide variant.
Coding change: c.6755T>A on transcript NM_032119.4 (MANE Select); coding-DNA position 6755, T replaced by A.
Protein change: p.Val2252Glu; replaces valine 2252 with glutamic acid.
Molecular consequence: missense variant. On other transcripts: non-coding transcript variant (1).
Genome position (GRCh38, 1-based): chr5:90,690,845, T>A. VCF-style: chr5-90690845-T-A. GRCh37 (hg19) VCF-style: chr5-89986662-T-A.
Other names: short protein forms V2252E.
Identifiers: ClinVar variation 1494770 (VCV001494770.8), dbSNP rs2149621355, ClinGen allele CA360367599.
Genomic context (GRCh38, chr5:90,690,845, plus strand): 5'-TCTACCCTTCAGGTTTTCAGATTACTAAACTTATTGTAGAGGAACCTGAGTTTAACTCAG[T>A]GAAGGTAAACCTGCCAATAATTCGAAATTCTGGGACACTCGGCAATGTTACTGTTCAGTG-3'
Protein context (NP_115495.3, residues 2242-2262): LIVEEPEFNS[Val2252Glu]KVNLPIIRNS

ClinVar aggregate classification (germline): Uncertain significance (1 of 4 stars; one submission).

Submission:

Labcorp Genetics (formerly Invitae), Labcorp
Classification: Uncertain significance. Last evaluated: 2022-03-19. Review status: criteria provided, single submitter. Criteria: Invitae Variant Classification Sherloc (09022015). Collection method: clinical testing. Allele origin: germline.
Comment: This variant is not present in population databases (gnomAD no frequency). This variant has not been reported in the literature in individuals affected with ADGRV1-related conditions. Algorithms developed to predict the effect of missense changes on protein structure and function are either unavailable or do not agree on the potential impact of this missense change (SIFT: "Deleterious"; PolyPhen-2: "Possibly Damaging"; Align-GVGD: "Class C0"). In summary, the available evidence is currently insufficient to determine the role of this variant in disease. Therefore, it has been classified as a Variant of Uncertain Significance. This sequence change replaces valine, which is neutral and non-polar, with glutamic acid, which is acidic and polar, at codon 2252 of the ADGRV1 protein (p.Val2252Glu).